The following is an entry in ClinVar:

ClinVar aggregate classification (germline): Uncertain significance (1 of 4 stars; one submission).

Conditions:
Encephalopathy, acute, infection-induced (herpes-specific), susceptibility to, 1. Also called: Herpes simplex encephalitis, susceptibility to, 1. Identifiers: Orphanet 1930, MedGen C2750180, MONDO:0024563, OMIM 610551.

Submission:

Labcorp Genetics (formerly Invitae), Labcorp
Classification: Uncertain significance for Encephalopathy, acute, infection-induced (herpes-specific), susceptibility to, 1. Last evaluated: 2021-12-13. Review status: criteria provided, single submitter. Criteria: Invitae Variant Classification Sherloc (09022015). Collection method: clinical testing. Allele origin: germline.
Comment: This variant has not been reported in the literature in individuals affected with TLR3-related conditions. In summary, the available evidence is currently insufficient to determine the role of this variant in disease. Therefore, it has been classified as a Variant of Uncertain Significance. This variant is not present in population databases (gnomAD no frequency). This sequence change creates a premature translational stop signal (p.Gln113Profs*3) in the TLR3 gene. It is expected to result in an absent or disrupted protein product. However, the current clinical and genetic evidence is not sufficient to establish whether loss-of-function variants in TLR3 cause disease.

NM_003265.3(TLR3):c.338_339del (p.Gln113fs)

Gene: TLR3 (toll like receptor 3; plus strand). Cytogenetic location: 4q35.1.
Variant type: Deletion.
Coding change: c.338_339del on transcript NM_003265.3 (MANE Select); coding-DNA positions 338 to 339, 2 bases deleted (AA; older notation c.338_339delAA).
Protein change: p.Gln113fs; shifts the reading frame from glutamine 113.
Molecular consequence: frameshift variant.
Genome position (GRCh38, 1-based): chr4:186,076,957-186,076,958, AA deleted. VCF-style (leftmost placement, unchanged base first): chr4-186076956-CAA-C. GRCh37 (hg19) VCF-style: chr4-186998110-CAA-C.
Other names: short protein forms Q113fs.
Identifiers: ClinVar variation 2041955 (VCV002041955.4), dbSNP rs2478210943, ClinGen allele CA2580071698.